The following is an entry in ClinVar:

ClinVar aggregate classification (germline): Likely benign (1 of 4 stars; one submission).

Allele frequency attached by ClinVar (database versions not stated): gnomAD 0.00002; TOPMed 0.00003; ExAC 0.00004.
gnomAD v4.1: 41 of 1,613,624 alleles (0.0025%); highest among the groups gnomAD compares: Middle Eastern, 0.016%; no homozygotes.

Submission:

CeGaT Center for Human Genetics Tuebingen
Classification: Likely benign. Last evaluated: 2023-05-01. Review status: criteria provided, single submitter. Criteria: CeGaT Center For Human Genetics Tuebingen Variant Classification Criteria Version 2. Collection method: clinical testing. Allele origin: germline. Affected: yes. Observed: 1 variant allele.
Comment: HERC2: BP4, BP7

NM_004667.6(HERC2):c.8508C>T (p.Ile2836=)

Gene: HERC2 (HECT and RLD domain containing E3 ubiquitin protein ligase 2; minus strand). Cytogenetic location: 15q13.1.
Variant type: single nucleotide variant.
Coding change: c.8508C>T on transcript NM_004667.6 (MANE Select); coding-DNA position 8508, C replaced by T.
Protein change: p.Ile2836=; no amino-acid change (isoleucine 2836 retained).
Molecular consequence: synonymous variant.
Genome position (GRCh38, 1-based): chr15:28,191,188, G>A on the plus strand (C>T on the coding strand, the complement: HERC2 is on the minus strand). VCF-style: chr15-28191188-G-A. GRCh37 (hg19) VCF-style: chr15-28436334-G-A.
Identifiers: ClinVar variation 2570898 (VCV002570898.27), dbSNP rs757893230, ClinGen allele CA7441452.